The following is an entry in ClinVar:

ClinVar aggregate classification (germline): Benign/Likely benign. Review status: criteria provided, multiple submitters, no conflicts (2 of 4 stars). 5 submissions from 5 submitters: Benign (2); Likely benign (3). Last evaluated 2025-11-25.

Conditions:
Early-infantile DEE. Also called: Early infantile epileptic encephalopathy; Early infantile epileptic encephalopathy with suppression bursts; Ohtahara syndrome. Identifiers: Orphanet 1934, MedGen C0393706, MONDO:0800491.
Inborn genetic diseases. Identifiers: MedGen C0950123, MeSH D030342.
Developmental and epileptic encephalopathy, 5 (DEE5). Identifiers: Orphanet 3451, MedGen C3150731, MONDO:0013277, OMIM 613477.

Allele frequency attached by ClinVar (database versions not stated): ESP Exome Variant Server 0.00008; gnomAD 0.00008 and 0.00009; TOPMed 0.00009; gnomAD exomes 0.00011 and 0.00012; ExAC 0.00016.
gnomAD v4.1: 190 of 1,613,932 alleles (0.012%); highest among the groups gnomAD compares: Non-Finnish European, 0.015%; no homozygotes.

Submissions (5):

Labcorp Genetics (formerly Invitae), Labcorp
Classification: Likely benign for Early-infantile DEE. Last evaluated: 2025-11-25. Review status: criteria provided, single submitter. Criteria: Invitae Variant Classification Sherloc (09022015). Collection method: clinical testing. Allele origin: germline.

CeGaT Center for Human Genetics Tuebingen
Classification: Likely benign. Last evaluated: 2025-06-01. Review status: criteria provided, single submitter. Criteria: CeGaT Center For Human Genetics Tuebingen Variant Classification Criteria Version 2. Collection method: clinical testing. Allele origin: germline. Affected: yes. Observed: 2 variant alleles.
Comment: SPTAN1: BP4, BP7

Genome-Nilou Lab
Classification: Benign for Developmental and epileptic encephalopathy, 5. Last evaluated: 2021-07-15. Review status: criteria provided, single submitter. Criteria: ACMG Guidelines, 2015. Collection method: clinical testing. Allele origin: germline. Affected: no.

Ambry Genetics
Classification: Likely benign for Inborn genetic diseases. Last evaluated: 2017-11-29. Review status: criteria provided, single submitter. Criteria: Ambry Variant Classification Scheme 2023. Collection method: clinical testing. Allele origin: germline.

GeneDx
Classification: Benign. Last evaluated: 2014-03-05. Review status: criteria provided, single submitter. Criteria: GeneDx Variant Classification (06012015). Collection method: clinical testing. Allele origin: germline. Affected: yes.
Comment: This variant is considered likely benign or benign based on one or more of the following criteria: it is a conservative change, it occurs at a poorly conserved position in the protein, it is predicted to be benign by multiple in silico algorithms, and/or has population frequency not consistent with disease.

NM_001130438.3(SPTAN1):c.4224C>T (p.His1408=)

Gene: SPTAN1 (spectrin alpha, non-erythrocytic 1; plus strand). Cytogenetic location: 9q34.11.
Variant type: single nucleotide variant.
Coding change: c.4224C>T on transcript NM_001130438.3 (MANE Select); coding-DNA position 4224, C replaced by T.
Protein change: p.His1408=; no amino-acid change (histidine 1408 retained).
Molecular consequence: synonymous variant.
Genome position (GRCh38, 1-based): chr9:128,607,929, C>T. VCF-style: chr9-128607929-C-T. GRCh37 (hg19) VCF-style: chr9-131370208-C-T.
Other names: p.H1408H:CAC>CAT; c.4164C>T, p.His1388= (NM_001195532.2, NM_001363765.2); c.4224C>T, p.His1408= (NM_001363759.2, NM_003127.4).
Identifiers: ClinVar variation 139289 (VCV000139289.38), dbSNP rs200180598, ClinGen allele CA293733.
Genomic context (GRCh38, chr9:128,607,929, plus strand): 5'-CGATGCCAGGGCTGGCACTTTCCAGGCATTTGAGCAGTTTGGACAGCAGCTGTTGGCTCA[C>T]GGACACTATGCCAGCCCTGAGATCAAGCAGAAACTTGATATTCTTGACCAGGAGCGTGCA-3'
Protein context (NP_001123910.1, residues 1398-1418): FEQFGQQLLA[His1408=]GHYASPEIKQ